The following is an entry in ClinVar:

ClinVar aggregate classification (germline): Uncertain significance (1 of 4 stars; one submission).

Conditions:
Combined immunodeficiency due to DOCK8 deficiency (HIES2). Also called: Hyper-IgE recurrent infection syndrome, autosomal recessive; DOCK8 Deficiency; HIES autosomal recessive; HYPER-IgE RECURRENT INFECTION SYNDROME 2, AUTOSOMAL RECESSIVE; HYPER-IgE SYNDROME 2, AUTOSOMAL RECESSIVE, WITH RECURRENT INFECTIONS. Identifiers: Orphanet 217390, MedGen C4722305, MONDO:0009478, OMIM 243700.

Allele frequency attached by ClinVar (database versions not stated): gnomAD exomes below 0.00001.
gnomAD v4.1: 2 of 1,614,116 alleles (0.00012%); highest among the groups gnomAD compares: Non-Finnish European, 0.00017%; no homozygotes.

Submission:

Labcorp Genetics (formerly Invitae), Labcorp
Classification: Uncertain significance for Combined immunodeficiency due to DOCK8 deficiency. Last evaluated: 2020-02-27. Review status: criteria provided, single submitter. Criteria: Invitae Variant Classification Sherloc (09022015). Collection method: clinical testing. Allele origin: germline.
Comment: In summary, the available evidence is currently insufficient to determine the role of this variant in disease. Therefore, it has been classified as a Variant of Uncertain Significance. Algorithms developed to predict the effect of missense changes on protein structure and function are either unavailable or do not agree on the potential impact of this missense change (SIFT: "Deleterious"; PolyPhen-2: "Benign"; Align-GVGD: "Class C0"). This variant is not present in population databases (ExAC no frequency). This sequence change replaces serine with phenylalanine at codon 683 of the DOCK8 protein (p.Ser683Phe). The serine residue is moderately conserved and there is a large physicochemical difference between serine and phenylalanine. This variant has not been reported in the literature in individuals with DOCK8-related conditions.

NM_203447.4(DOCK8):c.2048C>T (p.Ser683Phe)

Gene: DOCK8 (dedicator of cytokinesis 8; plus strand). Cytogenetic location: 9p24.3.
Variant type: single nucleotide variant.
Coding change: c.2048C>T on transcript NM_203447.4 (MANE Select); coding-DNA position 2048, C replaced by T.
Protein change: p.Ser683Phe; replaces serine 683 with phenylalanine.
Molecular consequence: missense variant.
Genome position (GRCh38, 1-based): chr9:372,225, C>T. VCF-style: chr9-372225-C-T. GRCh37 (hg19) VCF-style: chr9-372225-C-T.
Other names: c.1844C>T, p.Ser615Phe (NM_001190458.2, NM_001193536.2); short protein forms S615F, S683F.
Identifiers: ClinVar variation 1011901 (VCV001011901.9), dbSNP rs2053319803, ClinGen allele CA372761830.